The following is an entry in ClinVar:

NM_001130438.3(SPTAN1):c.2224C>T (p.Arg742Cys)

Gene: SPTAN1 (spectrin alpha, non-erythrocytic 1; plus strand). Cytogenetic location: 9q34.11.
Variant type: single nucleotide variant.
Coding change: c.2224C>T on transcript NM_001130438.3 (MANE Select); coding-DNA position 2224, C replaced by T.
Protein change: p.Arg742Cys; replaces arginine 742 with cysteine.
Molecular consequence: missense variant.
Genome position (GRCh38, 1-based): chr9:128,584,312, C>T. VCF-style: chr9-128584312-C-T. GRCh37 (hg19) VCF-style: chr9-131346591-C-T.
Other names: c.2224C>T, p.Arg742Cys (NM_001195532.2, NM_001363759.2, NM_001363765.2 and 1 more transcripts); short protein forms R742C.
Identifiers: ClinVar variation 433112 (VCV000433112.8), dbSNP rs780658554, ClinGen allele CA5264601.
Genomic context (GRCh38, chr9:128,584,312, plus strand): 5'-AAAGTCTGCTCTGTCCTTTTGCATTCCCAGGACCGAATTGATGGCATCACCATTCAGGCC[C>T]GCCAGTTCCAAGATGCTGGCCATTTTGATGCAGAAAACATCAAGAAGAAACAGGAAGCCC-3'
Protein context (NP_001123910.1, residues 732-752): DRIDGITIQA[Arg742Cys]QFQDAGHFDA

ClinVar aggregate classification (germline): Uncertain significance. Review status: criteria provided, multiple submitters, no conflicts (2 of 4 stars). 3 submissions from 3 submitters: Uncertain significance (2). 1 of the submissions does not count toward it. Last evaluated 2025-07-30.

Conditions:
Self-limited epilepsy with centrotemporal spikes. Also called: Childhood epilepsy with centrotemporal spikes; Rolandic epilepsy. Identifiers: Orphanet 1945, MedGen C0376532, MONDO:0007295.
Early-infantile DEE. Also called: Early infantile epileptic encephalopathy; Ohtahara syndrome; Early infantile epileptic encephalopathy with suppression bursts. Identifiers: Orphanet 1934, MedGen C0393706, MONDO:0800491.

Allele frequency attached by ClinVar (database versions not stated): TOPMed below 0.00001; gnomAD exomes 0.00001 and 0.00003; gnomAD 0.00003 and 0.00004; ExAC 0.00004.
gnomAD v4.1: 24 of 1,614,038 alleles (0.0015%); highest among the groups gnomAD compares: African/African-American, 0.0067%; no homozygotes.

Submissions (3):

Labcorp Genetics (formerly Invitae), Labcorp
Classification: Uncertain significance for Early-infantile DEE. Last evaluated: 2025-07-30. Review status: criteria provided, single submitter. Criteria: Invitae Variant Classification Sherloc (09022015). Collection method: clinical testing. Allele origin: germline.
Comment: This sequence change replaces arginine, which is basic and polar, with cysteine, which is neutral and slightly polar, at codon 742 of the SPTAN1 protein (p.Arg742Cys). This variant is present in population databases (rs780658554, gnomAD 0.01%). This missense change has been observed in individual(s) with clinical features of SPTAN1-related conditions (PMID: 29358611, 33057194, 35982159). ClinVar contains an entry for this variant (Variation ID: 433112). Invitae Evidence Modeling of protein sequence and biophysical properties (such as structural, functional, and spatial information, amino acid conservation, physicochemical variation, residue mobility, and thermodynamic stability) has been performed for this missense variant. However, the output from this modeling did not meet the statistical confidence thresholds required to predict the impact of this variant on SPTAN1 protein function. In summary, the available evidence is currently insufficient to determine the role of this variant in disease. Therefore, it has been classified as a Variant of Uncertain Significance.

Mendelics
Classification: Uncertain significance. Last evaluated: 2022-05-04. Review status: criteria provided, single submitter. Criteria: Mendelics Assertion Criteria 2019. Collection method: clinical testing. Allele origin: germline.

Bioinformatics Core, Luxembourg Center for Systems Biomedicine
Classification: Pathogenic for Self-limited epilepsy with centrotemporal spikes. Last evaluated: 2017-01-01. Review status: flagged submission. Collection method: case-control. Allele origin: germline. Affected: yes. Study: EUROEPINOMICS COGIE. Not counted in ClinVar's aggregate classification.
Comment: CAADphred>15
ClinVar note: Reason: Claim with insufficient supporting evidence

Literature cited by the submitters: PubMed 29358611 (cited by Labcorp Genetics (formerly Invitae), Labcorp and Bioinformatics Core, Luxembourg Center for Systems Biomedicine); PubMed 33057194 (cited by Labcorp Genetics (formerly Invitae), Labcorp); PubMed 35982159 (cited by Labcorp Genetics (formerly Invitae), Labcorp).